The following is an entry in ClinVar:

ClinVar aggregate classification (germline): Likely benign (1 of 4 stars; one submission).

Allele frequency attached by ClinVar (database versions not stated): gnomAD 0.00004 and 0.00006; ExAC 0.00001; TOPMed 0.00002; gnomAD exomes 0.00001.
gnomAD v4.1: 10 of 1,612,368 alleles (0.00062%); highest among the groups gnomAD compares: African/African-American, 0.0067%; no homozygotes.

Submission:

GeneDx
Classification: Likely benign. Last evaluated: 2017-12-11. Review status: criteria provided, single submitter. Criteria: GeneDx Variant Classification (06012015). Collection method: clinical testing. Allele origin: germline. Affected: yes.
Comment: This variant is considered likely benign or benign based on one or more of the following criteria: it is a conservative change, it occurs at a poorly conserved position in the protein, it is predicted to be benign by multiple in silico algorithms, and/or has population frequency not consistent with disease.

NM_058216.3(RAD51C):c.-39C>G

Gene: RAD51C (RAD51 paralog C; plus strand). Cytogenetic location: 17q22.
Variant type: single nucleotide variant.
Coding change: c.-39C>G on transcript NM_058216.3 (MANE Select); 39 bases upstream of the start codon, C replaced by G.
Molecular consequence: 5 prime UTR variant. On other transcripts: non-coding transcript variant (2).
Genome position (GRCh38, 1-based): chr17:58,692,605, C>G. VCF-style: chr17-58692605-C-G. GRCh37 (hg19) VCF-style: chr17-56769966-C-G.
Other names: c.-39C>G (NM_002876.4).
Identifiers: ClinVar variation 378457 (VCV000378457.1), dbSNP rs778493896, ClinGen allele CA8677097.
Genomic context (GRCh38, chr17:58,692,605, plus strand): 5'-CAGAGCCGGCCCCTTCCGCTTTACGTCTGACGTCACGCCGCACGCCCCAGCGAGGGCGTG[C>G]GGAGTTTGGCTGCTCCGGGGTTAGCAGGTGAGCCTGCGATGCGCGGGAAGACGTTCCGCT-3'